The following is an entry in ClinVar:

NM_000135.4(FANCA):c.337_338del (p.Ala114fs)

Gene: FANCA (FA complementation group A; minus strand). Cytogenetic location: 16q24.3.
Variant type: Microsatellite.
Coding change: c.337_338del on transcript NM_000135.4 (MANE Select); coding-DNA positions 337 to 338, 2 bases deleted (TC; older notation c.337_338delTC).
Protein change: p.Ala114fs; shifts the reading frame from alanine 114.
Molecular consequence: frameshift variant.
Genome position (GRCh38, 1-based): chr16:89,811,017-89,811,018, GA deleted on the plus strand (TC on the coding strand, the reverse complement: FANCA is on the minus strand); deleting any 2 consecutive bases within chr16:89,811,017-89,811,022 gives the same sequence; the c. name uses the placement nearest the transcript's 3' end. VCF-style (leftmost placement, unchanged base first): chr16-89811016-TGA-T. GRCh37 (hg19) VCF-style: chr16-89877424-TGA-T.
Other names: c.337_338del, p.Ala114fs (NM_001018112.3, NM_001286167.3, NM_001351830.2); short protein forms A114fs.
Identifiers: ClinVar variation 1692218 (VCV001692218.1), dbSNP rs2143680554, ClinGen allele CA2580613946.

ClinVar aggregate classification (germline): Likely pathogenic (1 of 4 stars; one submission).

Conditions:
Fanconi anemia (FA). Also called: Fanconi's anemia. Identifiers: Orphanet 84, MedGen C0015625, MeSH D005199, MONDO:0019391.

Submission:

Sema4
Classification: Likely pathogenic for Fanconi anemia. Last evaluated: 2021-03-21. Review status: criteria provided, single submitter. Criteria: Sema4 Curation Guidelines. Collection method: curation. Allele origin: germline.
Comment: The FANCA c.337_338delTC (p.A114RfsX6) deletion has been reported as compound heterozygous in at least one individual with Fanconi anemia and as heterozgygous in another individual with Fanconi anemia where the second variant could not be identified (PMID: 22778927, 16084127). This variant causes a frameshift at amino acid 114 that results in premature termination 6 amino acids downstream. At this location, this is predicted to cause nonsense-mediated decay and result in an absent protein (loss of function). This variant is not reported in the Genome Aggregation Database (PMID: 32461654). The variant has not been reported in ClinVar. Based on the current evidence available, this variant is interpreted as likely pathogenic.

Literature cited by the submitters: PubMed 22778927; PubMed 16084127.